The following is an entry in ClinVar:

NM_000045.4(ARG1):c.242C>T (p.Ala81Val)

Genes: ARG1 (arginase 1; plus strand), MED23 (mediator complex subunit 23; minus strand). Cytogenetic location: 6q23.2.
Variant type: single nucleotide variant.
Coding change: c.242C>T on transcript NM_000045.4 (MANE Select); coding-DNA position 242, C replaced by T.
Protein change: p.Ala81Val; replaces alanine 81 with valine.
Molecular consequence: missense variant. On other transcripts: non-coding transcript variant (1), intron variant (2).
Genome position (GRCh38, 1-based): chr6:131,579,222, C>T. VCF-style: chr6-131579222-C-T. GRCh37 (hg19) VCF-style: chr6-131900362-C-T.
Other names: c.266C>T, p.Ala89Val (NM_001244438.2); c.242C>T, p.Ala81Val (NM_001369020.1); c.4078-4927G>A (NM_001270521.2); c.4096-4927G>A (NM_015979.4); short protein forms A89V, A81V.
Identifiers: ClinVar variation 2190046 (VCV002190046.1), dbSNP rs1256715205, ClinGen allele CA365650647.

ClinVar aggregate classification (germline): Uncertain significance (1 of 4 stars; one submission).

Conditions:
Arginase deficiency. Also called: Arginase 1 Deficiency; ARGININEMIA; ARG1 DEFICIENCY. Identifiers: Orphanet 90, MedGen C0268548, MONDO:0008814, OMIM 207800.

Allele frequency attached by ClinVar (database versions not stated): TOPMed below 0.00001; gnomAD 0.00001.
gnomAD v4.1: 2 of 1,614,002 alleles (0.00012%); highest among the groups gnomAD compares: African/African-American, 0.0013%; no homozygotes.

Submission:

Labcorp Genetics (formerly Invitae), Labcorp
Classification: Uncertain significance for Arginase deficiency. Last evaluated: 2022-08-19. Review status: criteria provided, single submitter. Criteria: Invitae Variant Classification Sherloc (09022015). Collection method: clinical testing. Allele origin: germline.
Comment: This sequence change replaces alanine, which is neutral and non-polar, with valine, which is neutral and non-polar, at codon 81 of the ARG1 protein (p.Ala81Val). This variant is present in population databases (no rsID available, gnomAD 0.007%). This variant has not been reported in the literature in individuals affected with ARG1-related conditions. Algorithms developed to predict the effect of missense changes on protein structure and function are either unavailable or do not agree on the potential impact of this missense change (SIFT: "Tolerated"; PolyPhen-2: "Probably Damaging"; Align-GVGD: "Class C0"). Algorithms developed to predict the effect of sequence changes on RNA splicing suggest that this variant may create or strengthen a splice site. In summary, the available evidence is currently insufficient to determine the role of this variant in disease. Therefore, it has been classified as a Variant of Uncertain Significance.